The following is an entry in ClinVar:

NM_139137.4(KCNC2):c.1802T>C (p.Leu601Ser)

Gene: KCNC2 (potassium voltage-gated channel subfamily C member 2; minus strand). Cytogenetic location: 12q21.1.
Variant type: single nucleotide variant.
Coding change: c.1802T>C on transcript NM_139137.4 (MANE Select); coding-DNA position 1802, T replaced by C.
Protein change: p.Leu601Ser; replaces leucine 601 with serine.
Molecular consequence: missense variant. On other transcripts: 3 prime UTR variant (6), non-coding transcript variant (1), intron variant (6).
Genome position (GRCh38, 1-based): chr12:75,043,220, A>G on the plus strand (T>C on the coding strand, the complement: KCNC2 is on the minus strand). VCF-style: chr12-75043220-A-G. GRCh37 (hg19) VCF-style: chr12-75437000-A-G.
Other names: c.*517T>C (NM_001260497.2, NM_001414197.1, NM_001414198.1); c.1637T>C, p.Leu546Ser (NM_001260499.2); c.1802T>C, p.Leu601Ser (NM_001414192.1); c.1763T>C, p.Leu588Ser (NM_001414193.1); c.1751T>C, p.Leu584Ser (NM_001414194.1); c.*67T>C (NM_001414202.1); c.*639T>C (NM_001414206.1, NM_001414213.1); c.1616-1772T>C (NM_001414199.1); and 3 more; short protein forms L546S, L584S, L588S, L601S.
Identifiers: ClinVar variation 5018158 (VCV005018158.1).

ClinVar aggregate classification (germline): Uncertain significance (1 of 4 stars; one submission).

Submission:

GeneDx
Classification: Uncertain significance. Last evaluated: 2026-04-12. Review status: criteria provided, single submitter. Criteria: GeneDx Variant Classification Process June 2021. Collection method: clinical testing. Allele origin: germline.
Comment: Not observed at significant frequency in large population cohorts (gnomAD); In silico analysis suggests that this missense variant does not alter protein structure/function; Has not been previously published as pathogenic or benign to our knowledge